The following is an entry in ClinVar:

ClinVar aggregate classification (germline): Uncertain significance (1 of 4 stars; one submission).

gnomAD v4.1: 5 of 1,572,226 alleles (0.00032%); highest among the groups gnomAD compares: Non-Finnish European, 0.00043%; no homozygotes.

Submission:

Labcorp Genetics (formerly Invitae), Labcorp
Classification: Uncertain significance. Last evaluated: 2021-12-19. Review status: criteria provided, single submitter. Criteria: Invitae Variant Classification Sherloc (09022015). Collection method: clinical testing. Allele origin: germline.
Comment: This sequence change replaces aspartic acid, which is acidic and polar, with glutamic acid, which is acidic and polar, at codon 443 of the TYMP protein (p.Asp443Glu). This variant is not present in population databases (gnomAD no frequency). This variant has not been reported in the literature in individuals affected with TYMP-related conditions. Advanced modeling of protein sequence and biophysical properties (such as structural, functional, and spatial information, amino acid conservation, physicochemical variation, residue mobility, and thermodynamic stability) performed at Invitae indicates that this missense variant is not expected to disrupt TYMP protein function. In summary, the available evidence is currently insufficient to determine the role of this variant in disease. Therefore, it has been classified as a Variant of Uncertain Significance.

NM_001953.5(TYMP):c.1329C>G (p.Asp443Glu)

Genes: SCO2 (synthesis of cytochrome C oxidase 2; minus strand), TYMP (thymidine phosphorylase; minus strand), LOC130067862 (ATAC-STARR-seq lymphoblastoid silent region 13986; plus strand). Cytogenetic location: 22q13.33.
Variant type: single nucleotide variant.
Coding change: c.1329C>G on transcript NM_001953.5 (MANE Select); coding-DNA position 1329, C replaced by G.
Protein change: p.Asp443Glu; replaces aspartic acid 443 with glutamic acid.
Molecular consequence: missense variant. On other transcripts: intron variant (2).
Genome position (GRCh38, 1-based): chr22:50,525,890, G>C on the plus strand (C>G on the coding strand, the complement: TYMP is on the minus strand). VCF-style: chr22-50525890-G-C. GRCh37 (hg19) VCF-style: chr22-50964319-G-C.
Other names: c.1329C>G, p.Asp443Glu (NM_001113755.3, NM_001113756.3, NM_001257988.1); c.1344C>G, p.Asp448Glu (NM_001257989.1); c.-14+356C>G (NM_001169109.2); c.-14+111C>G (NM_001169110.1); short protein forms D443E, D448E.
Identifiers: ClinVar variation 1904712 (VCV001904712.2), dbSNP rs897999639, ClinGen allele CA412196424.